The following is an entry in ClinVar:

NM_003334.4(UBA1):c.34G>T (p.Val12Leu)

Genes: UBA1 (ubiquitin like modifier activating enzyme 1; plus strand), LOC126863253 (CDK7 strongly-dependent group 2 enhancer GRCh37_chrX:47057593-47058792; plus strand). Cytogenetic location: Xp11.3.
Variant type: single nucleotide variant.
Coding change: c.34G>T on transcript NM_003334.4 (MANE Select); coding-DNA position 34, G replaced by T.
Protein change: p.Val12Leu; replaces valine 12 with leucine.
Molecular consequence: missense variant.
Genome position (GRCh38, 1-based): chrX:47,198,836, G>T. VCF-style: chrX-47198836-G-T. GRCh37 (hg19) VCF-style: chrX-47058235-G-T.
Other names: c.34G>T, p.Val12Leu (NM_153280.3); short protein forms V12L.
Identifiers: ClinVar variation 1435307 (VCV001435307.4), dbSNP rs982155788, ClinGen allele CA412786134.
Genomic context (GRCh38, chrX:47,198,836, plus strand): 5'-GTCACCTCTGACCTTTTTTTCCTCCAGATGTCCAGCTCGCCGCTGTCCAAGAAACGTCGC[G>T]TGTCCGGGCCTGATCCAAAGCCGGGTTCTAACTGCTCCCCTGCCCAGTCCGTGTTGTCCG-3'
Protein context (NP_003325.2, residues 2-22): SSSPLSKKRR[Val12Leu]SGPDPKPGSN

ClinVar aggregate classification (germline): Uncertain significance (1 of 4 stars; one submission).

Conditions:
Infantile-onset X-linked spinal muscular atrophy. Also called: AMC, DISTAL, X-LINKED; ARTHROGRYPOSIS, X-LINKED, TYPE I; Spinal muscular atrophy, X-linked 2; Spinal Muscular Atrophy, X-Linked Infantile; SPINAL MUSCULAR ATROPHY, X-LINKED LETHAL INFANTILE. Identifiers: Orphanet 1145, MedGen C1844934, MONDO:0010532, OMIM 301830.

Allele frequency attached by ClinVar (database versions not stated): gnomAD 0.00001.
gnomAD v4.1: 8 of 1,210,194 alleles (0.00066%); highest among the groups gnomAD compares: Non-Finnish European, 0.00078%; no homozygotes.

Submission:

Labcorp Genetics (formerly Invitae), Labcorp
Classification: Uncertain significance for Infantile-onset X-linked spinal muscular atrophy. Last evaluated: 2021-09-25. Review status: criteria provided, single submitter. Criteria: Invitae Variant Classification Sherloc (09022015). Collection method: clinical testing. Allele origin: germline.
Comment: Algorithms developed to predict the effect of missense changes on protein structure and function (SIFT, PolyPhen-2, Align-GVGD) all suggest that this variant is likely to be tolerated. This variant has not been reported in the literature in individuals affected with UBA1-related conditions. This variant is not present in population databases (ExAC no frequency). This sequence change replaces valine with leucine at codon 12 of the UBA1 protein (p.Val12Leu). The valine residue is moderately conserved and there is a small physicochemical difference between valine and leucine. In summary, the available evidence is currently insufficient to determine the role of this variant in disease. Therefore, it has been classified as a Variant of Uncertain Significance.